The following is an entry in ClinVar:

NM_018972.4(GDAP1):c.374G>A (p.Arg125Gln)

Gene: GDAP1 (ganglioside induced differentiation associated protein 1; plus strand). Cytogenetic location: 8q21.11.
Variant type: single nucleotide variant.
Coding change: c.374G>A on transcript NM_018972.4 (MANE Select); coding-DNA position 374, G replaced by A.
Protein change: p.Arg125Gln; replaces arginine 125 with glutamine.
Molecular consequence: missense variant. On other transcripts: intron variant (1).
Genome position (GRCh38, 1-based): chr8:74,360,200, G>A. VCF-style: chr8-74360200-G-A. GRCh37 (hg19) VCF-style: chr8-75272435-G-A.
Other names: c.170G>A, p.Arg57Gln (NM_001040875.4); c.47G>A, p.Arg16Gln (NM_001362929.2, NM_001362932.2); c.374G>A, p.Arg125Gln (NM_001362931.2); c.311-1684G>A (NM_001362930.2); short protein forms R125Q, R57Q, R16Q.
Identifiers: ClinVar variation 363719 (VCV000363719.9), dbSNP rs771810975, ClinGen allele CA4785091.
Genomic context (GRCh38, chr8:74,360,200, plus strand): 5'-GAACACCCAGGTTAATGCCTGATAAAGAAAGCATGTATTACCCACGGGTACAACATTACC[G>A]AGAGCTGCTTGACTCCTTGCCAATGGATGCCTATACACATGGCTGCATTTTACATCCTGA-3'
Protein context (NP_061845.2, residues 115-135): SMYYPRVQHY[Arg125Gln]ELLDSLPMDA

ClinVar aggregate classification (germline): Uncertain significance. Review status: criteria provided, multiple submitters, no conflicts (2 of 4 stars). 3 submissions from 2 submitters: Uncertain significance (3). Last evaluated 2025-06-27.

Conditions:
Charcot-Marie-Tooth disease, axonal, with vocal cord paresis, autosomal recessive. Also called: CHARCOT-MARIE-TOOTH DISEASE, TYPE 4A, AXONAL FORM; CHARCOT-MARIE-TOOTH NEUROPATHY, AXONAL, WITH VOCAL CORD PARESIS, AUTOSOMAL RECESSIVE; CMT2 WITH VOCAL CORD PARESIS, AUTOSOMAL RECESSIVE. Identifiers: Orphanet 101097, MedGen C1843183, MONDO:0011898, OMIM 607706.
Charcot-Marie-Tooth disease type 4A. Also called: Charcot-Marie-Tooth disease, demyelinating, autosomal recessive, type 4a. Identifiers: Orphanet 99948, MedGen C1859198, MONDO:0008961, OMIM 214400.
Charcot-Marie-Tooth disease recessive intermediate A (CMTRIA). Also called: CHARCOT-MARIE-TOOTH NEUROPATHY, RECESSIVE INTERMEDIATE A. Identifiers: Orphanet 217055, MedGen C1842197, MONDO:0012014, OMIM 608340.

Allele frequency attached by ClinVar (database versions not stated): gnomAD exomes 0.00001; TOPMed 0.00001; ExAC 0.00002; gnomAD 0.00002.

Submissions (3):

Labcorp Genetics (formerly Invitae), Labcorp
Classification: Uncertain significance for Charcot-Marie-Tooth disease type 4A. Last evaluated: 2025-06-27. Review status: criteria provided, single submitter. Criteria: Invitae Variant Classification Sherloc (09022015). Collection method: clinical testing. Allele origin: germline.
Comment: This sequence change replaces arginine, which is basic and polar, with glutamine, which is neutral and polar, at codon 125 of the GDAP1 protein (p.Arg125Gln). This variant is present in population databases (rs771810975, gnomAD 0.002%). This variant has not been reported in the literature in individuals affected with GDAP1-related conditions. ClinVar contains an entry for this variant (Variation ID: 363719). Invitae Evidence Modeling of protein sequence and biophysical properties (such as structural, functional, and spatial information, amino acid conservation, physicochemical variation, residue mobility, and thermodynamic stability) indicates that this missense variant is not expected to disrupt GDAP1 protein function with a negative predictive value of 80%. In summary, the available evidence is currently insufficient to determine the role of this variant in disease. Therefore, it has been classified as a Variant of Uncertain Significance.

Illumina Laboratory Services, Illumina
Classification: Uncertain significance for Charcot-Marie-Tooth disease recessive intermediate A. Last evaluated: 2018-01-12. Review status: criteria provided, single submitter. Criteria: ICSL Variant Classification Criteria 13 December 2019. Collection method: clinical testing. Allele origin: germline.

Illumina Laboratory Services, Illumina
Classification: Uncertain significance for Charcot-Marie-Tooth disease, axonal, with vocal cord paresis, autosomal recessive. Last evaluated: 2018-01-12. Review status: criteria provided, single submitter. Criteria: ICSL Variant Classification Criteria 13 December 2019. Collection method: clinical testing. Allele origin: germline.